The following is an entry in ClinVar:

ClinVar aggregate classification (germline): Likely pathogenic (1 of 4 stars; one submission).

Conditions:
Hereditary factor IX deficiency disease (HEMB). Also called: F9 DEFICIENCY; FACTOR IX DEFICIENCY; PLASMA THROMBOPLASTIN COMPONENT DEFICIENCY; Hemophilia B; Christmas Disease. Identifiers: Orphanet 98879, MedGen C0008533, MeSH D002836, MONDO:0010604, OMIM 306900.

Submission:

Women's Health and Genetics/Laboratory Corporation of America, LabCorp
Classification: Likely pathogenic for Hereditary factor IX deficiency disease. Last evaluated: 2023-07-17. Review status: criteria provided, single submitter. Criteria: LabCorp Variant Classification Summary - May 2015. Collection method: clinical testing. Allele origin: germline.
Comment: Variant summary: F9 c.1178_1180delACA (p.Asn393del) results in an in-frame deletion that is predicted to remove one amino acid from the trypsin domain (IPR001254) of the encoded protein. The variant was absent in 183343 control chromosomes (gnomAD). c.1178_1180delACA has been reported in the literature in three individuals affected with Factor IX Deficiency (Hemophilia B) who have subsequently been cited by others (e.g. Giannelli_1993, Belvini_2005, Miller_2012, Li_2014, Rallapalli_2013, Branchini_2022), two of which have been described as having a severe phenotype with little to no Factor IX activity. In addition to these individuals, there are also another three unpublished reports of patients with the variant in the Factor IX Gene (F9) Variant Database (EAHAD-CFDB). These data indicate that the variant is likely associated with disease. To our knowledge, no experimental evidence demonstrating an impact on protein function has been reported. The following publications have been ascertained in the context of this evaluation (PMID: 15921378, 34626083, 8392713, 24375831, 22103590, 23617593). No submitters have cited clinical-significance assessments for this variant to ClinVar after 2014. Based on the evidence outlined above, the variant was classified as likely pathogenic.

Literature cited by the submitters: PubMed 24375831; PubMed 34626083; PubMed 8392713; PubMed 8091381; PubMed 15921378; PubMed 22103590; PubMed 23617593.

NM_000133.4(F9):c.1175ACA[1] (p.Asn393del)

Gene: F9 (coagulation factor IX; plus strand). Cytogenetic location: Xq27.1.
Variant type: Microsatellite.
Coding change: c.1175ACA[1] on transcript NM_000133.4 (MANE Select); one copy of the 3-base unit ACA starting at c.1175; the reference has two copies in a row; one copy, 3 bases deleted.
Protein change: p.Asn393del; deletes asparagine 393.
Molecular consequence: inframe deletion. On other transcripts: inframe indel (2).
Genome position (GRCh38, 1-based): chrX:139,561,863-139,561,865, ACA deleted; deleting any 3 consecutive bases within chrX:139,561,859-139,561,865 gives the same sequence; the position shown is the placement nearest the transcript's 3' end. VCF-style (leftmost placement, unchanged base first): chrX-139561858-TAAC-T. GRCh37 (hg19) VCF-style: chrX-138644017-TAAC-T.
Other names: c.1178_1180delACA (NM_000133.3); c.1175_1177ACA[1], p.Asn393del (NM_000133.3); c.1061ACA[1], p.Asn355del (NM_001313913.2); short protein forms N355del, N393del.
Identifiers: ClinVar variation 2577226 (VCV002577226.1), dbSNP rs2520846740, ClinGen allele CA2580612307.